The following is an entry in ClinVar:

ClinVar aggregate classification (germline): Uncertain significance (1 of 4 stars; one submission).

Conditions:
Congenital disorder of glycosylation, type IIq. Also called: CDG IIq. Identifiers: Orphanet 435934, MedGen C4479353, MONDO:0054559, OMIM 617395.

Allele frequency attached by ClinVar (database versions not stated): gnomAD exomes 0.00004 and 0.00006; ExAC 0.00005; gnomAD 0.00020 and 0.00021; 1000 Genomes Project 30x 0.00031; TOPMed 0.00036; ESP Exome Variant Server 0.00038; 1000 Genomes Project 0.00040.

Submission:

Labcorp Genetics (formerly Invitae), Labcorp
Classification: Uncertain significance for Congenital disorder of glycosylation, type IIq. Last evaluated: 2023-07-07. Review status: criteria provided, single submitter. Criteria: Invitae Variant Classification Sherloc (09022015). Collection method: clinical testing. Allele origin: germline.
Comment: In summary, the available evidence is currently insufficient to determine the role of this variant in disease. Therefore, it has been classified as a Variant of Uncertain Significance. An algorithm developed to predict the effect of missense changes on protein structure and function (PolyPhen-2) suggests that this variant is likely to be disruptive. ClinVar contains an entry for this variant (Variation ID: 651045). This variant has not been reported in the literature in individuals affected with COG2-related conditions. This variant is present in population databases (rs151309110, gnomAD 0.05%). This sequence change replaces glutamic acid, which is acidic and polar, with lysine, which is basic and polar, at codon 258 of the COG2 protein (p.Glu258Lys).

NM_007357.3(COG2):c.772G>A (p.Glu258Lys)

Gene: COG2 (component of oligomeric golgi complex 2; plus strand). Cytogenetic location: 1q42.2.
Variant type: single nucleotide variant.
Coding change: c.772G>A on transcript NM_007357.3 (MANE Select); coding-DNA position 772, G replaced by A.
Protein change: p.Glu258Lys; replaces glutamic acid 258 with lysine.
Molecular consequence: missense variant.
Genome position (GRCh38, 1-based): chr1:230,669,533, G>A. VCF-style: chr1-230669533-G-A. GRCh37 (hg19) VCF-style: chr1-230805279-G-A.
Other names: c.772G>A, p.Glu258Lys (NM_001145036.2); short protein forms E258K.
Identifiers: ClinVar variation 651045 (VCV000651045.4), dbSNP rs151309110, ClinGen allele CA1447522.